The following is an entry in ClinVar:

NM_004588.5(SCN2B):c.449-163C>G

Gene: SCN2B (sodium voltage-gated channel beta subunit 2; minus strand). Cytogenetic location: 11q23.3.
Variant type: single nucleotide variant.
Coding change: c.449-163C>G on transcript NM_004588.5 (MANE Select); 163 bases into the intron before coding-DNA position 449, C replaced by G.
Molecular consequence: intron variant.
Genome position (GRCh38, 1-based): chr11:118,167,249, G>C on the plus strand (C>G on the coding strand, the complement: SCN2B is on the minus strand). VCF-style: chr11-118167249-G-C. GRCh37 (hg19) VCF-style: chr11-118037964-G-C.
Identifiers: ClinVar variation 674854 (VCV000674854.1), dbSNP rs2075647, ClinGen allele CA16430569.

ClinVar aggregate classification (germline): Benign (1 of 4 stars; one submission).

Allele frequency attached by ClinVar (database versions not stated): TOPMed 0.09062; 1000 Genomes Project 30x 0.13054; 1000 Genomes Project 0.13119.
gnomAD v4.1: 12,457 of 152,216 alleles (8.2%); highest among the groups gnomAD compares: East Asian, 20%; 1,050 homozygotes.

Submission:

GeneDx
Classification: Benign. Last evaluated: 2018-06-14. Review status: criteria provided, single submitter. Criteria: GeneDx Variant Classification (06012015). Collection method: clinical testing. Allele origin: germline. Affected: yes.
Comment: This variant is considered likely benign or benign based on one or more of the following criteria: it is a conservative change, it occurs at a poorly conserved position in the protein, it is predicted to be benign by multiple in silico algorithms, and/or has population frequency not consistent with disease.